The following is an entry in ClinVar:

ClinVar aggregate classification (germline): Uncertain significance (1 of 4 stars; one submission).

gnomAD v4.1: 4 of 1,614,050 alleles (0.00025%); highest among the groups gnomAD compares: African/African-American, 0.0053%; no homozygotes.

Submission:

Women's Health and Genetics/Laboratory Corporation of America, LabCorp
Classification: Uncertain significance. Last evaluated: 2025-09-09. Review status: criteria provided, single submitter. Criteria: LabCorp Variant Classification Summary - May 2015. Collection method: clinical testing. Allele origin: germline.
Comment: Variant summary: OTOF c.4500G>C (p.Arg1500Arg) alters a conserved nucleotide located close to a canonical splice site and therefore could affect mRNA splicing, leading to a significantly altered protein sequence. Several computational tools predict a significant impact on normal splicing: Two predict the variant abolishes the canonical 5' splicing donor site. Two predict the variant weakens the canonical 5' donor site. However, these predictions have yet to be confirmed by functional studies. The variant allele was found at a frequency of 8e-06 in 251414 control chromosomes. The available data on variant occurrences in the general population are insufficient to allow any conclusion about variant significance. To our knowledge, no occurrence of c.4500G>C in individuals affected with OTOF-related conditions and no experimental evidence demonstrating its impact on protein function have been reported. No submitters have cited clinical-significance assessments for this variant to ClinVar. Based on the evidence outlined above, the variant was classified as uncertain significance.

NM_194248.3(OTOF):c.4500G>C (p.Arg1500=)

Gene: OTOF (otoferlin; minus strand). Cytogenetic location: 2p23.3.
Variant type: single nucleotide variant.
Coding change: c.4500G>C on transcript NM_194248.3 (MANE Select); coding-DNA position 4500, G replaced by C.
Protein change: p.Arg1500=; no amino-acid change (arginine 1500 retained).
Molecular consequence: synonymous variant.
Genome position (GRCh38, 1-based): chr2:26,466,714, C>G on the plus strand (G>C on the coding strand, the complement: OTOF is on the minus strand). VCF-style: chr2-26466714-C-G. GRCh37 (hg19) VCF-style: chr2-26689582-C-G.
Other names: c.4500G>C, p.Arg1500= (NM_001287489.2); c.2199G>C, p.Arg733= (NM_004802.4, NM_194323.3); c.2430G>C, p.Arg810= (NM_194322.3).
Identifiers: ClinVar variation 4535641 (VCV004535641.1).